The following is an entry in ClinVar:

NM_001384474.1(LOXHD1):c.811C>T (p.Arg271Cys)

Gene: LOXHD1 (lipoxygenase homology PLAT domains 1; minus strand). Cytogenetic location: 18q21.1.
Variant type: single nucleotide variant.
Coding change: c.811C>T on transcript NM_001384474.1 (MANE Select); coding-DNA position 811, C replaced by T.
Protein change: p.Arg271Cys; replaces arginine 271 with cysteine.
Molecular consequence: missense variant.
Genome position (GRCh38, 1-based): chr18:46,604,178, G>A on the plus strand (C>T on the coding strand, the complement: LOXHD1 is on the minus strand). VCF-style: chr18-46604178-G-A. GRCh37 (hg19) VCF-style: chr18-44184141-G-A.
Other names: c.811C>T, p.Arg271Cys (NM_144612.7); short protein forms R271C.
Identifiers: ClinVar variation 163936 (VCV000163936.12), dbSNP rs727503151, ClinGen allele CA176662.
Genomic context (GRCh38, chr18:46,604,178, plus strand): 5'-CTCCGCCCACTAAGATATCCCTTTGGATTTTGCCATCGTCTTCGTCCAAGGCCAGCCAGC[G>A]GTTAAGGGGGAAGTCATATTTTCTTTTGTTCCCAATATCTTCAATGACTATCTGGGAAGG-3'
Protein context (NP_001371403.1, residues 261-281): NKRKYDFPLN[Arg271Cys]WLALDEDDGK

ClinVar aggregate classification (germline): Uncertain significance. Review status: criteria provided, multiple submitters, no conflicts (2 of 4 stars). 5 submissions from 5 submitters: Uncertain significance (3). 2 of the submissions do not count toward it. Last evaluated 2021-09-24.

Conditions:
Autosomal recessive nonsyndromic hearing loss 77. Identifiers: Orphanet 90636, MedGen C2746083, MONDO:0013119, OMIM 613079.
Hearing impairment. Also called: Impaired Hearing. Identifiers: MedGen C1384666, MONDO:0005365, HP:0000365.

Allele frequency attached by ClinVar (database versions not stated): gnomAD exomes 0.00002 and 0.00003; ExAC 0.00005; gnomAD 0.00012 and 0.00013; TOPMed 0.00012.
gnomAD v4.1: 40 of 1,551,616 alleles (0.0026%); highest among the groups gnomAD compares: African/African-American, 0.037%; no homozygotes.

Submissions (5):

Labcorp Genetics (formerly Invitae), Labcorp
Classification: Uncertain significance. Last evaluated: 2021-09-24. Review status: criteria provided, single submitter. Criteria: Invitae Variant Classification Sherloc (09022015). Collection method: clinical testing. Allele origin: germline.
Comment: This sequence change replaces arginine with cysteine at codon 271 of the LOXHD1 protein (p.Arg271Cys). The arginine residue is weakly conserved and there is a large physicochemical difference between arginine and cysteine. This variant is present in population databases (rs727503151, ExAC 0.01%). This variant has not been reported in the literature in individuals with LOXHD1-related conditions. ClinVar contains an entry for this variant (Variation ID: 163936). Algorithms developed to predict the effect of missense changes on protein structure and function are either unavailable or do not agree on the potential impact of this missense change (SIFT: "Deleterious"; PolyPhen-2: "Benign"; Align-GVGD: "Class C0"). In summary, the available evidence is currently insufficient to determine the role of this variant in disease. Therefore, it has been classified as a Variant of Uncertain Significance.

Department of Otolaryngology – Head & Neck Surgery, Cochlear Implant Center
Classification: Uncertain significance for Hearing impairment. Last evaluated: 2021-04-12. Review status: criteria provided, single submitter. Criteria: ClinGen HL ACMG Specifications v1. Collection method: clinical testing. Allele origin: germline. Affected: yes.
Comment: PM2_Moderate, PP3_Supporting

Laboratory for Molecular Medicine, Mass General Brigham Personalized Medicine
Classification: Uncertain significance. Last evaluated: 2014-11-07. Review status: criteria provided, single submitter. Criteria: LMM Criteria. Collection method: clinical testing. Allele origin: germline. Observed: 1 variant allele.
Comment: The p.Arg271Cys variant in LOXHD1 has not been previously reported in individual s with hearing loss and was absent from large population studies. Computational prediction tools and conservation analysis suggest that this variant may impact the protein, though this information is not predictive enough to determine patho genicity. In summary, the clinical significance of the p.Arg271Cys variant is un certain.

Natera, Inc.
Classification: Uncertain significance for Autosomal recessive deafness type 77. Last evaluated: 2020-02-21. Review status: no assertion criteria provided. Collection method: clinical testing. Allele origin: germline. Not counted in ClinVar's aggregate classification.

Counsyl
Classification: Uncertain significance for Autosomal recessive nonsyndromic hearing loss 77. Last evaluated: 2018-03-30. Review status: no assertion criteria provided. Collection method: clinical testing. Allele origin: unknown. Not counted in ClinVar's aggregate classification.